The following is an entry in ClinVar:

ClinVar aggregate classification (germline): Uncertain significance. Review status: criteria provided, multiple submitters, no conflicts (2 of 4 stars). 2 submissions from 2 submitters: Uncertain significance (2). Last evaluated 2025-06-25.

Conditions:
Hereditary cancer-predisposing syndrome. Also called: Hereditary Cancer Syndrome; Hereditary neoplastic syndrome; Tumor predisposition; Neoplastic Syndromes, Hereditary. Identifiers: Orphanet 140162, MedGen C0027672, MeSH D009386, MONDO:0015356.
Neuroblastoma, susceptibility to, 3. Also called: ALK-Related Neuroblastic Tumor Susceptibility. Identifiers: Orphanet 635, MedGen C2751681, MONDO:0013083, OMIM 613014.

Allele frequency attached by ClinVar (database versions not stated): gnomAD exomes below 0.00001; TOPMed below 0.00001.
gnomAD v4.1: 1 of 1,614,210 alleles (0.000062%); highest among the groups gnomAD compares: Non-Finnish European, 0.000085%; no homozygotes.

Submissions (2):

Labcorp Genetics (formerly Invitae), Labcorp
Classification: Uncertain significance for Neuroblastoma, susceptibility to, 3. Last evaluated: 2025-06-25. Review status: criteria provided, single submitter. Criteria: Invitae Variant Classification Sherloc (09022015). Collection method: clinical testing. Allele origin: germline.
Comment: This sequence change replaces valine, which is neutral and non-polar, with isoleucine, which is neutral and non-polar, at codon 1392 of the ALK protein (p.Val1392Ile). This variant is not present in population databases (gnomAD no frequency). This variant has not been reported in the literature in individuals affected with ALK-related conditions. ClinVar contains an entry for this variant (Variation ID: 1357292). An algorithm developed to predict the effect of missense changes on protein structure and function (PolyPhen-2) suggests that this variant is likely to be disruptive. In summary, the available evidence is currently insufficient to determine the role of this variant in disease. Therefore, it has been classified as a Variant of Uncertain Significance.

Ambry Genetics
Classification: Uncertain significance for Hereditary cancer-predisposing syndrome. Last evaluated: 2025-03-11. Review status: criteria provided, single submitter. Criteria: Ambry Variant Classification Scheme 2023. Collection method: clinical testing. Allele origin: germline.
Comment: The p.V1392I variant (also known as c.4174G>A), located in coding exon 29 of the ALK gene, results from a G to A substitution at nucleotide position 4174. The valine at codon 1392 is replaced by isoleucine, an amino acid with highly similar properties. This amino acid position is highly conserved in available vertebrate species. In addition, the in silico prediction for this alteration is inconclusive. Based on the available evidence, the clinical significance of this variant remains unclear.

NM_004304.5(ALK):c.4174G>A (p.Val1392Ile)

Gene: ALK (ALK receptor tyrosine kinase; minus strand). Cytogenetic location: 2p23.2.
Variant type: single nucleotide variant.
Coding change: c.4174G>A on transcript NM_004304.5 (MANE Select); coding-DNA position 4174, G replaced by A.
Protein change: p.Val1392Ile; replaces valine 1392 with isoleucine.
Molecular consequence: missense variant.
Genome position (GRCh38, 1-based): chr2:29,193,913, C>T on the plus strand (G>A on the coding strand, the complement: ALK is on the minus strand). VCF-style: chr2-29193913-C-T. GRCh37 (hg19) VCF-style: chr2-29416779-C-T.
Other names: c.970G>A, p.Val324Ile (NM_001353765.2); c.4174G>A (NM_004304.4); short protein forms V324I, V1392I.
Identifiers: ClinVar variation 1357292 (VCV001357292.7), dbSNP rs1668957592, ClinGen allele CA346463562.